The following is an entry in ClinVar:

NM_001184880.2(PCDH19):c.74T>C (p.Leu25Pro)

Gene: PCDH19 (protocadherin 19; minus strand). Cytogenetic location: Xq22.1.
Variant type: single nucleotide variant.
Coding change: c.74T>C on transcript NM_001184880.2 (MANE Select); coding-DNA position 74, T replaced by C.
Protein change: p.Leu25Pro; replaces leucine 25 with proline.
Molecular consequence: missense variant.
Genome position (GRCh38, 1-based): chrX:100,408,524, A>G on the plus strand (T>C on the coding strand, the complement: PCDH19 is on the minus strand). VCF-style: chrX-100408524-A-G. GRCh37 (hg19) VCF-style: chrX-99663522-A-G.
Other names: c.74T>C, p.Leu25Pro (NM_001105243.2, NM_020766.3); short protein forms L25P.
Identifiers: ClinVar variation 2138631 (VCV002138631.4), dbSNP rs2520999081, ClinGen allele CA414011433.

ClinVar aggregate classification (germline): Pathogenic (1 of 4 stars; one submission).

Conditions:
Developmental and epileptic encephalopathy, 9 (DEE9). Also called: Early infantile epileptic encephalopathy 9; PCDH19-Related X-Linked Female-Limited Epilepsy with Mental Retardation; EPILEPSY, FEMALE-RESTRICTED, WITH MENTAL RETARDATION; JUBERG-HELLMAN SYNDROME. Identifiers: Orphanet 101039, Orphanet 2076, MedGen C1848137, MONDO:0010246, OMIM 300088. Disease mechanism: loss of function.

Submission:

Labcorp Genetics (formerly Invitae), Labcorp
Classification: Pathogenic for Developmental and epileptic encephalopathy, 9. Last evaluated: 2024-05-15. Review status: criteria provided, single submitter. Criteria: Invitae Variant Classification Sherloc (09022015). Collection method: clinical testing. Allele origin: germline.
Comment: This sequence change replaces leucine, which is neutral and non-polar, with proline, which is neutral and non-polar, at codon 25 of the PCDH19 protein (p.Leu25Pro). This variant is not present in population databases (gnomAD no frequency). This missense change has been observed in individual(s) with PCDH19-related conditions (PMID: 21519002). In at least one individual the variant was observed to be de novo. ClinVar contains an entry for this variant (Variation ID: 2138631). Advanced modeling of protein sequence and biophysical properties (such as structural, functional, and spatial information, amino acid conservation, physicochemical variation, residue mobility, and thermodynamic stability) performed at Invitae indicates that this missense variant is expected to disrupt PCDH19 protein function with a positive predictive value of 95%. For these reasons, this variant has been classified as Pathogenic.

Literature cited by the submitters: PubMed 21519002.